The following is an entry in ClinVar:

ClinVar aggregate classification (germline): Pathogenic. Review status: criteria provided, multiple submitters, no conflicts (2 of 4 stars). 7 submissions from 7 submitters: Pathogenic (4). 3 of the submissions do not count toward it. Last evaluated 2026-03-23.

Conditions:
SH3TC2-related disorder. Also called: SH3TC2-related condition; SH3TC2-related disorders. Identifiers: MedGen CN239303.
Charcot-Marie-Tooth disease type 4. Also called: Charcot-Marie-Tooth disease, type IV; Charcot-Marie-Tooth, Type 4. Identifiers: Orphanet 64749, MedGen C4082197, MONDO:0018995.
Charcot-Marie-Tooth disease. Also called: Charcot-Marie-Tooth Hereditary Neuropathy; Charcot-Marie-Tooth Neuropathy. Identifiers: Orphanet 166, MedGen C0007959, MONDO:0015626.

Allele frequency attached by ClinVar (database versions not stated): gnomAD exomes 0.00001 and 0.00002; ExAC 0.00002; gnomAD 0.00003; TOPMed 0.00003.
gnomAD v4.1: 36 of 1,613,916 alleles (0.0022%); highest among the groups gnomAD compares: Non-Finnish European, 0.0031%; no homozygotes.

Submissions (7):

PreventionGenetics, part of Exact Sciences
Classification: Pathogenic for SH3TC2-related condition. Last evaluated: 2026-03-23. Review status: criteria provided, single submitter. Criteria: ACMG Guidelines, 2015. Collection method: clinical testing. Allele origin: germline.
Comment: The SH3TC2 c.279G>A variant is not predicted to result in an amino acid change (p.=). This variant has been reported in the presumed compound heterozygous state with a second loss-of-function SH3TC2 variant in multiple individuals with autosomal recessive Charcot-Marie-Tooth disease, type 4C (CMT4C; Laššuthová et al. 2011. PubMed ID: 21291453; Table S1, Piscosquito et al. 2016. PubMed ID: 27231023; Shchagina et al. 2023. PubMed ID: 37372933; Shchagina et al. 2024. PubMed ID: 38903759). In vitro splicing assays have demonstrated that this variant, which is located at the final coding nucleotide of SH3TC2 exon 3, disrupts the adjacent canonical splice donor site while activating a cryptic donor site, leading to a frameshift-inducing insertion of 19 intronic base pairs and premature protein termination (Laššuthová et al. 2012. PubMed ID: 22950825). This variant is reported in 0.0039% of alleles in individuals of European (non-Finnish) descent in gnomAD. Taken together, this variant is interpreted as pathogenic for autosomal recessive SH3TC2-related disorders.

Labcorp Genetics (formerly Invitae), Labcorp
Classification: Pathogenic for Charcot-Marie-Tooth disease type 4. Last evaluated: 2025-07-22. Review status: criteria provided, single submitter. Criteria: Invitae Variant Classification Sherloc (09022015). Collection method: clinical testing. Allele origin: germline.
Comment: This sequence change affects codon 93 of the SH3TC2 mRNA. It is a 'silent' change, meaning that it does not change the encoded amino acid sequence of the SH3TC2 protein. This variant also falls at the last nucleotide of exon 3, which is part of the consensus splice site for this exon. This variant is present in population databases (rs776221160, gnomAD 0.004%). This variant has been observed in individual(s) with Charcot-Marie-Tooth disease type 4 (PMID: 21291453, 27231023). In at least one individual the data is consistent with being in trans (on the opposite chromosome) from a pathogenic variant. ClinVar contains an entry for this variant (Variation ID: 216120). Algorithms developed to predict the effect of variants on gene product structure and function are not available or were not evaluated for this variant. Experimental studies have shown that this variant affects SH3TC2 function (PMID: 22950825). Variants that disrupt the consensus splice site are a relatively common cause of aberrant splicing (PMID: 17576681, 9536098). Algorithms developed to predict the effect of sequence changes on RNA splicing suggest that this variant may disrupt the consensus splice site. For these reasons, this variant has been classified as Pathogenic.

CeGaT Center for Human Genetics Tuebingen
Classification: Pathogenic. Last evaluated: 2024-09-01. Review status: criteria provided, single submitter. Criteria: CeGaT Center For Human Genetics Tuebingen Variant Classification Criteria Version 2. Collection method: clinical testing. Allele origin: germline. Affected: yes. Observed: 1 variant allele.
Comment: SH3TC2: PM3:Strong, PS3, PM2

Blueprint Genetics
Classification: Pathogenic for SH3TC2-related disorders. Last evaluated: 2020-05-11. Review status: criteria provided, single submitter. Criteria: ACMG Guidelines, 2015. Collection method: clinical testing. Allele origin: germline. Affected: yes. Observed: 1 variant allele.

Clinical Genetics, Academic Medical Center
Classification: Likely pathogenic. Review status: no assertion criteria provided. Collection method: clinical testing. Allele origin: germline. Affected: yes. Study: VKGL Data-share Consensus. Not counted in ClinVar's aggregate classification.

Inherited Neuropathy Consortium
Classification: Uncertain significance for Charcot-Marie-Tooth disease. Review status: no assertion criteria provided. Collection method: literature only. Allele origin: germline. Affected: yes. Not counted in ClinVar's aggregate classification.

Joint Genome Diagnostic Labs from Nijmegen and Maastricht, Radboudumc and MUMC+
Classification: Likely pathogenic. Review status: no assertion criteria provided. Collection method: clinical testing. Allele origin: germline. Affected: yes. Study: VKGL Data-share Consensus. Not counted in ClinVar's aggregate classification.

Literature cited by the submitters: PubMed 21291453 (cited by Labcorp Genetics (formerly Invitae), Labcorp and Inherited Neuropathy Consortium); PubMed 27231023 (cited by Labcorp Genetics (formerly Invitae), Labcorp); PubMed 22950825 (cited by Labcorp Genetics (formerly Invitae), Labcorp); PubMed 17576681 (cited by Labcorp Genetics (formerly Invitae), Labcorp); PubMed 9536098 (cited by Labcorp Genetics (formerly Invitae), Labcorp).

NM_024577.4(SH3TC2):c.279G>A (p.Lys93=)

Gene: SH3TC2 (SH3 domain and tetratricopeptide repeats 2; minus strand). Cytogenetic location: 5q32.
Variant type: single nucleotide variant.
Coding change: c.279G>A on transcript NM_024577.4 (MANE Select); coding-DNA position 279, G replaced by A.
Protein change: p.Lys93=; no amino-acid change (lysine 93 retained).
Molecular consequence: synonymous variant.
Genome position (GRCh38, 1-based): chr5:149,047,862, C>T on the plus strand (G>A on the coding strand, the complement: SH3TC2 is on the minus strand). VCF-style: chr5-149047862-C-T. GRCh37 (hg19) VCF-style: chr5-148427425-C-T.
Identifiers: ClinVar variation 216120 (VCV000216120.34), dbSNP rs776221160, ClinGen allele CA339459.